The following is an entry in ClinVar:

NM_002547.3(OPHN1):c.2105C>A (p.Pro702His)

Gene: OPHN1 (oligophrenin 1; minus strand). Cytogenetic location: Xq12.
Variant type: single nucleotide variant.
Coding change: c.2105C>A on transcript NM_002547.3 (MANE Select); coding-DNA position 2105, C replaced by A.
Protein change: p.Pro702His; replaces proline 702 with histidine.
Molecular consequence: missense variant.
Genome position (GRCh38, 1-based): chrX:68,063,907, G>T on the plus strand (C>A on the coding strand, the complement: OPHN1 is on the minus strand). VCF-style: chrX-68063907-G-T. GRCh37 (hg19) VCF-style: chrX-67283749-G-T.
Other names: short protein forms P702H.
Identifiers: ClinVar variation 2294028 (VCV002294028.3), dbSNP rs2519631768, ClinGen allele CA413430233.

ClinVar aggregate classification (germline): Uncertain significance. Review status: criteria provided, multiple submitters, no conflicts (2 of 4 stars). 2 submissions from 2 submitters: Uncertain significance (2). Last evaluated 2022-12-15.

Conditions:
Inborn genetic diseases. Identifiers: MedGen C0950123, MeSH D030342.
OPHN1-related disorder.

Allele frequency attached by ClinVar (database versions not stated): gnomAD exomes below 0.00001.
gnomAD v4.1: 2 of 1,187,499 alleles (0.00017%); highest among the groups gnomAD compares: Non-Finnish European, 0.00011%; no homozygotes.

Submissions (2):

PreventionGenetics, part of Exact Sciences
Classification: Uncertain significance for OPHN1-related condition. Last evaluated: 2022-12-15. Review status: criteria provided, single submitter. Criteria: ACMG Guidelines, 2015. Collection method: clinical testing. Allele origin: germline.
Comment: The OPHN1 c.2105C>A variant is predicted to result in the amino acid substitution p.Pro702His. To our knowledge, this variant has not been reported in the literature or in a large population database, indicating this variant is rare. At this time, the clinical significance of this variant is uncertain due to the absence of conclusive functional and genetic evidence.

Ambry Genetics
Classification: Uncertain significance for Inborn genetic diseases. Last evaluated: 2022-06-03. Review status: criteria provided, single submitter. Criteria: Ambry Variant Classification Scheme 2023. Collection method: clinical testing. Allele origin: germline.